The following is an entry in ClinVar:

NM_001042492.3(NF1):c.1808T>A (p.Ile603Lys)

Gene: NF1 (neurofibromin 1; plus strand). Cytogenetic location: 17q11.2.
Variant type: single nucleotide variant.
Coding change: c.1808T>A on transcript NM_001042492.3 (MANE Select); coding-DNA position 1808, T replaced by A.
Protein change: p.Ile603Lys; replaces isoleucine 603 with lysine.
Molecular consequence: missense variant.
Genome position (GRCh38, 1-based): chr17:31,223,530, T>A. VCF-style: chr17-31223530-T-A. GRCh37 (hg19) VCF-style: chr17-29550548-T-A.
Other names: c.1808T>A, p.Ile603Lys (NM_000267.4); short protein forms I603K.
Identifiers: ClinVar variation 1065928 (VCV001065928.5), dbSNP rs2144016800, ClinGen allele CA399004455.
Genomic context (GRCh38, chr17:31,223,530, plus strand): 5'-AGAAATTAACTAGTCATCAAATGCTTAGTAGCACAGAAATTCTCAAGTGGTTGCGGGAAA[T>A]ATTGATCTGCAGGAATAAATTTCTTCTTAAAAATAAGGTAAGCAAAATGACATATTTAAA-3'
Protein context (NP_001035957.1, residues 593-613): STEILKWLRE[Ile603Lys]LICRNKFLLK

ClinVar aggregate classification (germline): Likely pathogenic (1 of 4 stars; one submission).

Conditions:
Neurofibromatosis, type 1 (NF1). Also called: VON RECKLINGHAUSEN DISEASE; Peripheral type neurofibromatosis; NEUROFIBROMATOSIS, TYPE I, SOMATIC; Neurofibromatosis, type I. Identifiers: Orphanet 636, MedGen C0027831, MONDO:0018975, OMIM 162200. Disease mechanism: loss of function.

Submission:

Labcorp Genetics (formerly Invitae), Labcorp
Classification: Likely pathogenic for Neurofibromatosis, type 1. Last evaluated: 2020-09-25. Review status: criteria provided, single submitter. Criteria: Invitae Variant Classification Sherloc (09022015). Collection method: clinical testing. Allele origin: germline.
Comment: This variant has been observed in individual(s) with clinical features of neurofibromatosis type 1 (Invitae). In summary, the currently available evidence indicates that the variant is pathogenic, but additional data are needed to prove that conclusively. Therefore, this variant has been classified as Likely Pathogenic. This variant disrupts the p.Ile603 amino acid residue in NF1. Other variant(s) that disrupt this residue have been observed in individuals with NF1-related conditions (PMID: 27322474), which suggests that this may be a clinically significant amino acid residue. Advanced modeling of protein sequence and biophysical properties (such as structural, functional, and spatial information, amino acid conservation, physicochemical variation, residue mobility, and thermodynamic stability) performed at Invitae indicates that this missense variant is expected to disrupt NF1 protein function. This variant is not present in population databases (ExAC no frequency). This sequence change replaces isoleucine with lysine at codon 603 of the NF1 protein (p.Ile603Lys). The isoleucine residue is moderately conserved and there is a moderate physicochemical difference between isoleucine and lysine.

Literature cited by the submitters: PubMed 27322474.